The following is an entry in ClinVar:

ClinVar aggregate classification (germline): Uncertain significance (1 of 4 stars; one submission).

gnomAD v4.1: 1 of 1,613,254 alleles (0.000062%); highest among the groups gnomAD compares: Non-Finnish European, 0.000085%; no homozygotes.

Submission:

Dasa
Classification: Uncertain significance. Last evaluated: 2025-08-22. Review status: criteria provided, single submitter. Criteria: DASA Assertion Criteria. Collection method: clinical testing. Allele origin: germline.
Comment: NM_002317.7(LOX):c.1201C>G (p.Arg401Gly) is a missense variant that results in the substitution of arginine with glycine. This variant is rare in population databases. Computational prediction algorithms are consistent with a benign effect. The currently available literature and clinical evidence are not sufficient to establish a definitive association between this variant and the reported condition. Therefore, this variant is classified as a variant of uncertain significance.

NM_002317.7(LOX):c.1201C>G (p.Arg401Gly)

Genes: SRFBP1 (serum response factor binding protein 1; plus strand), LOX (lysyl oxidase; minus strand). Cytogenetic location: 5q23.1.
Variant type: single nucleotide variant.
Coding change: c.1201C>G on transcript NM_002317.7 (MANE Select); coding-DNA position 1201, C replaced by G.
Protein change: p.Arg401Gly; replaces arginine 401 with glycine.
Molecular consequence: missense variant.
Genome position (GRCh38, 1-based): chr5:122,070,099, G>C on the plus strand (C>G on the coding strand, the complement: LOX is on the minus strand). VCF-style: chr5-122070099-G-C. GRCh37 (hg19) VCF-style: chr5-121405794-G-C.
Other names: c.511C>G, p.Arg171Gly (NM_001178102.2); c.310C>G, p.Arg104Gly (NM_001317073.1); short protein forms R104G, R171G, R401G.
Identifiers: ClinVar variation 4884899 (VCV004884899.2).
Genomic context (GRCh38, chr5:122,070,099, plus strand): 5'-CAAATAACACTTACGGTGAAATTGTGCAGCCTGAGGCATACGCATGATGTCCTGTGTAGC[G>C]AATGTCACAGCGCACAACATTGTTGGTATAGTCAGATTCAGGAACCAGGTAGCTGGGGTT-3'
Protein context (NP_002308.2, residues 391-411): YTNNVVRCDI[Arg401Gly]YTGHHAYASG